The following is an entry in ClinVar:

ClinVar aggregate classification (germline): Pathogenic/Likely pathogenic. Review status: criteria provided, multiple submitters, no conflicts (2 of 4 stars). 7 submissions from 7 submitters: Pathogenic (3); Likely pathogenic (4). Last evaluated 2026-01-12.

Conditions:
RPGRIP1L-related disorder. Also called: RPGRIP1L-related disorders; RPGRIP1L-related condition. Identifiers: MedGen CN239416.
Meckel-Gruber syndrome. Also called: Dysencephalia splachnocystica; DYSENCEPHALIA SPLANCHNOCYSTICA; GRUBER SYNDROME. Identifiers: Orphanet 564, MedGen C0265215, MONDO:0018921.
Joubert syndrome. Also called: JOUBERT-BOLTSHAUSER SYNDROME; Familial aplasia of the vermis. Identifiers: Orphanet 475, MedGen C5979921, MONDO:0018772.
Inborn genetic diseases. Identifiers: MedGen C0950123, MeSH D030342.
Joubert syndrome and related disorders. Identifiers: Orphanet 140874, MedGen C5679612, MONDO:0015369.

Allele frequency attached by ClinVar (database versions not stated): ExAC 0.00001; gnomAD exomes 0.00002 and 0.00005; gnomAD 0.00003 and 0.00004; TOPMed 0.00003.
gnomAD v4.1: 74 of 1,613,742 alleles (0.0046%); highest among the groups gnomAD compares: Non-Finnish European, 0.0058%; no homozygotes.

Submissions (7):

Labcorp Genetics (formerly Invitae), Labcorp
Classification: Pathogenic for Joubert syndrome; Meckel-Gruber syndrome. Last evaluated: 2026-01-12. Review status: criteria provided, single submitter. Criteria: Invitae Variant Classification Sherloc (09022015). Collection method: clinical testing. Allele origin: germline.
Comment: This sequence change creates a premature translational stop signal (p.Arg734*) in the RPGRIP1L gene. It is expected to result in an absent or disrupted protein product. Loss-of-function variants in RPGRIP1L are known to be pathogenic (PMID: 17558409). This variant is present in population databases (rs751128300, gnomAD 0.005%). This variant has not been reported in the literature in individuals affected with RPGRIP1L-related conditions. ClinVar contains an entry for this variant (Variation ID: 421673). For these reasons, this variant has been classified as Pathogenic.

PreventionGenetics, part of Exact Sciences
Classification: Likely pathogenic for RPGRIP1L-related condition. Last evaluated: 2025-08-25. Review status: criteria provided, single submitter. Criteria: ACMG Guidelines, 2015. Collection method: clinical testing. Allele origin: germline.
Comment: The RPGRIP1L c.2200C>T variant is predicted to result in premature protein termination (p.Arg734*). To our knowledge, this variant has not been reported in the literature in individuals with RPGRIP1L-related conditions. This variant is reported in 0.0046% of alleles in individuals of European (Non-Finnish) descent in gnomAD. Nonsense variants in RPGRIP1L are expected to be pathogenic. This variant is interpreted as likely pathogenic.

Natera, Inc.
Classification: Likely pathogenic for Joubert syndrome. Last evaluated: 2025-07-25. Review status: criteria provided, single submitter. Criteria: Natera Variant Classification Schema (03/2026). Collection method: clinical testing. Allele origin: germline.
Comment: The c.2200C>T variant in RPGRIP1L is a nonsense variant predicted to introduce a stop codon at amino acid 734. This variant is expected to result in nonsense mediated decay, truncation, or a dysfunctional protein product. This variant is rare in the general population with a frequency below the threshold expected for the associated phenotype(s). Given the available evidence, this variant is classified as Likely Pathogenic.

GeneDx
Classification: Pathogenic. Last evaluated: 2025-04-04. Review status: criteria provided, single submitter. Criteria: GeneDx Variant Classification Process June 2021. Collection method: clinical testing. Allele origin: germline. Affected: yes.
Comment: Nonsense variant predicted to result in protein truncation or nonsense mediated decay in a gene for which loss of function is a known mechanism of disease; Not observed at significant frequency in large population cohorts (gnomAD); This variant is associated with the following publications: (PMID: 31964843, 38523675)

Women's Health and Genetics/Laboratory Corporation of America, LabCorp
Classification: Likely pathogenic for Joubert syndrome and related disorders. Last evaluated: 2022-12-04. Review status: criteria provided, single submitter. Criteria: LabCorp Variant Classification Summary - May 2015. Collection method: clinical testing. Allele origin: germline.
Comment: Variant summary: RPGRIP1L c.2200C>T (p.Arg734X) results in a premature termination codon, predicted to cause a truncation of the encoded protein or absence of the protein due to nonsense mediated decay, which are commonly known mechanisms for disease. The variant allele was found at a frequency of 2e-05 in 251404 control chromosomes. To our knowledge, no occurrence of c.2200C>T in individuals affected with Joubert Syndrome And Related Disorders and no experimental evidence demonstrating its impact on protein function have been reported. Two clinical diagnostic laboratories have submitted clinical-significance assessments for this variant to ClinVar after 2014 without evidence for independent evaluation. All laboratories classified the variant as pathogenic. Based on the evidence outlined above, the variant was classified as likely pathogenic.

Blueprint Genetics
Classification: Likely pathogenic for RPGRIP1L-related disorders. Last evaluated: 2022-08-25. Review status: criteria provided, single submitter. Criteria: ACMG Guidelines, 2015. Collection method: clinical testing. Allele origin: germline. Affected: yes. Observed: 5 variant alleles.

Ambry Genetics
Classification: Pathogenic for Inborn genetic diseases. Last evaluated: 2020-11-04. Review status: criteria provided, single submitter. Criteria: Ambry Variant Classification Scheme 2023. Collection method: clinical testing. Allele origin: germline.
Comment: The c.2200C>T (p.R734*) alteration, located in exon 16 (coding exon 15) of the RPGRIP1L gene, consists of a C to T substitution at nucleotide position 2200. This changes the amino acid from an arginine (R) to a stop codon at amino acid position 734. This alteration is expected to result in loss of function by premature protein truncation or nonsense-mediated mRNA decay. Based on the available evidence, this alteration is classified as pathogenic.

Literature cited by the submitters: PubMed 17558409 (cited by Labcorp Genetics (formerly Invitae), Labcorp).

NM_015272.5(RPGRIP1L):c.2200C>T (p.Arg734Ter)

Gene: RPGRIP1L (RPGRIP1 like; minus strand). Cytogenetic location: 16q12.2.
Variant type: single nucleotide variant.
Coding change: c.2200C>T on transcript NM_015272.5 (MANE Select); coding-DNA position 2200, C replaced by T.
Protein change: p.Arg734Ter; replaces arginine 734 with a stop codon.
Molecular consequence: nonsense.
Genome position (GRCh38, 1-based): chr16:53,649,068, G>A on the plus strand (C>T on the coding strand, the complement: RPGRIP1L is on the minus strand). VCF-style: chr16-53649068-G-A. GRCh37 (hg19) VCF-style: chr16-53682980-G-A.
Other names: c.2200C>T, p.Arg734Ter (NM_001127897.4, NM_001308334.3, NM_001330538.2); short protein forms R734*.
Identifiers: ClinVar variation 421673 (VCV000421673.18), dbSNP rs751128300, ClinGen allele CA8057601.